The following is an entry in ClinVar:

NM_001365536.1(SCN9A):c.1288C>A (p.Leu430Ile)

Genes: SCN1A-AS1 (SCN1A and SCN9A antisense RNA 1; plus strand), SCN9A (sodium voltage-gated channel alpha subunit 9; minus strand). Cytogenetic location: 2q24.3.
Variant type: single nucleotide variant.
Coding change: c.1288C>A on transcript NM_001365536.1 (MANE Select); coding-DNA position 1288, C replaced by A.
Protein change: p.Leu430Ile; replaces leucine 430 with isoleucine.
Molecular consequence: missense variant.
Genome position (GRCh38, 1-based): chr2:166,288,463, G>T on the plus strand (C>A on the coding strand, the complement: SCN9A is on the minus strand). VCF-style: chr2-166288463-G-T. GRCh37 (hg19) VCF-style: chr2-167144973-G-T.
Other names: c.1288C>A, p.Leu430Ile (NM_002977.4); short protein forms L430I.
Identifiers: ClinVar variation 2499878 (VCV002499878.1), dbSNP rs2106492496, ClinGen allele CA349085699.

ClinVar aggregate classification (germline): Uncertain significance (1 of 4 stars; one submission).

Allele frequency attached by ClinVar (database versions not stated): gnomAD exomes below 0.00001.
gnomAD v4.1: 1 of 1,610,586 alleles (0.000062%); highest among the groups gnomAD compares: Non-Finnish European, 0.000085%; no homozygotes.

Submission:

GeneDx
Classification: Uncertain significance. Last evaluated: 2022-10-18. Review status: criteria provided, single submitter. Criteria: GeneDx Variant Classification Process June 2021. Collection method: clinical testing. Allele origin: germline. Affected: yes.
Comment: Not observed at significant frequency in large population cohorts (gnomAD); In silico analysis supports that this missense variant does not alter protein structure/function; Has not been previously published as pathogenic or benign to our knowledge